The following is an entry in ClinVar:

NM_001035.3(RYR2):c.336A>G (p.Thr112=)

Gene: RYR2 (ryanodine receptor 2; plus strand). Cytogenetic location: 1q43.
Variant type: single nucleotide variant.
Coding change: c.336A>G on transcript NM_001035.3 (MANE Select); coding-DNA position 336, A replaced by G.
Protein change: p.Thr112=; no amino-acid change (threonine 112 retained).
Molecular consequence: synonymous variant.
Genome position (GRCh38, 1-based): chr1:237,369,560, A>G. VCF-style: chr1-237369560-A-G. GRCh37 (hg19) VCF-style: chr1-237532860-A-G.
Other names: c.336A>G, p.Thr112= (LRG_402t1).
Identifiers: ClinVar variation 238230 (VCV000238230.16), dbSNP rs536426427, ClinGen allele CA086358.

ClinVar aggregate classification (germline): Likely benign. Review status: criteria provided, multiple submitters, no conflicts (2 of 4 stars). 3 submissions from 3 submitters: Likely benign (3). Last evaluated 2025-06-22.

Conditions:
Cardiomyopathy (CMYO). Also called: Cardiomyopathies. Identifiers: Orphanet 167848, MedGen C0878544, MONDO:0004994, HP:0001638. Inheritance: Various modes of inheritance.
Catecholaminergic polymorphic ventricular tachycardia (CVPT). Also called: Catecholamine-induced polymorphic ventricular tachycardia. Identifiers: Orphanet 3286, MedGen C5574922, MONDO:0017990.
Catecholaminergic polymorphic ventricular tachycardia 1. Also called: VENTRICULAR TACHYCARDIA, CATECHOLAMINERGIC POLYMORPHIC, 1, WITH OR WITHOUT ATRIAL DYSFUNCTION AND/OR DILATED CARDIOMYOPATHY; RYR2-Related Catecholaminergic Polymorphic Ventricular Tachycardia; VENTRICULAR TACHYCARDIA, STRESS-INDUCED POLYMORPHIC 1. Identifiers: Orphanet 3286, MedGen C1631597, MONDO:0011484, OMIM 604772.

Allele frequency attached by ClinVar (database versions not stated): TOPMed 0.00001; gnomAD exomes 0.00002; gnomAD 0.00003; ExAC 0.00011; 1000 Genomes Project 30x 0.00016; 1000 Genomes Project 0.00020.
gnomAD v4.1: 10 of 1,563,940 alleles (0.00064%); highest among the groups gnomAD compares: East Asian, 0.0023%; no homozygotes.

Submissions (3):

Labcorp Genetics (formerly Invitae), Labcorp
Classification: Likely benign for Catecholaminergic polymorphic ventricular tachycardia 1. Last evaluated: 2025-06-22. Review status: criteria provided, single submitter. Criteria: Invitae Variant Classification Sherloc (09022015). Collection method: clinical testing. Allele origin: germline.

All of Us Research Program, National Institutes of Health
Classification: Likely benign for Catecholaminergic polymorphic ventricular tachycardia. Last evaluated: 2023-08-15. Review status: criteria provided, single submitter. Criteria: ACMG Guidelines, 2015. Collection method: clinical testing. Allele origin: germline. Inheritance: Autosomal dominant inheritance. Observed: 2 variant alleles, 2 heterozygotes.
Comment: This study involves interpretation of variants in research participants for the purpose of population health screening. Participant phenotype was not available at the time of variant classification. Additional details can be found in publication PMID: 35346344, PMCID: PMC8962531

Color Diagnostics, LLC DBA Color Health
Classification: Likely benign for Cardiomyopathy. Last evaluated: 2020-12-01. Review status: criteria provided, single submitter. Criteria: ACMG Guidelines, 2015. Collection method: clinical testing. Allele origin: germline.